The following is an entry in ClinVar:

NC_000017.11:g.(?_43045658)_(43106553_?)del

Gene: BRCA1 (BRCA1 DNA repair associated; minus strand). Cytogenetic location: 17q21.31.
Variant type: Deletion.
Identifiers: ClinVar variation 831782 (VCV000831782.2).

ClinVar aggregate classification (germline): Pathogenic (1 of 4 stars; one submission).

Conditions:
Hereditary breast ovarian cancer syndrome. Also called: Hereditary breast and/or ovarian cancer syndrome; Hereditary breast and ovarian cancer syndrome (HBOC); Breast and ovarian cancer; Hereditary breast and ovarian cancer; BRCA1- and BRCA2-Associated Hereditary Breast and Ovarian Cancer; Hereditary breast and ovarian cancer syndrome. Identifiers: Orphanet 145, MedGen C0677776, MeSH D061325, MONDO:0003582. Disease mechanism: loss of function.

Submission:

Labcorp Genetics (formerly Invitae), Labcorp
Classification: Pathogenic for Hereditary breast ovarian cancer syndrome. Last evaluated: 2021-08-02. Review status: criteria provided, single submitter. Criteria: Invitae Variant Classification Sherloc (09022015). Collection method: clinical testing. Allele origin: germline.
Comment: This variant is a gross deletion of the genomic region encompassing exon(s) 4-23 of the BRCA1 gene, which includes the termination codon. This deletion extends beyond the assayed region for this gene and therefore may encompass additional genes. While this deletion is not anticipated to lead to nonsense mediated decay, it is expected to alter mRNA translation or result in a truncated protein product. This variant has not been reported in the literature in individuals affected with BRCA1-related conditions. This variant eliminates approximately 97% of the BRCA1 protein including critical domains for nuclear localization and the C-terminal BRCT domains (PMID: 20104584). While functional studies have not been performed to directly test the effect of this variant on BRCA1 protein function, this suggests that disruption of this region of the protein is causative of disease. For these reasons, this variant has been classified as Pathogenic.

Literature cited by the submitters: PubMed 20104584.